The following is an entry in ClinVar:

NM_152743.4(BRAT1):c.236T>C (p.Leu79Pro)

Gene: BRAT1 (BRCA1 associated ATM activator 1; minus strand). Cytogenetic location: 7p22.3.
Variant type: single nucleotide variant.
Coding change: c.236T>C on transcript NM_152743.4 (MANE Select); coding-DNA position 236, T replaced by C.
Protein change: p.Leu79Pro; replaces leucine 79 with proline.
Molecular consequence: missense variant. On other transcripts: 5 prime UTR variant (1), non-coding transcript variant (1).
Genome position (GRCh38, 1-based): chr7:2,547,370, A>G on the plus strand (T>C on the coding strand, the complement: BRAT1 is on the minus strand). VCF-style: chr7-2547370-A-G. GRCh37 (hg19) VCF-style: chr7-2587004-A-G.
Other names: c.236T>C, p.Leu79Pro (NM_001350626.2); c.-142T>C (NM_001350627.2); short protein forms L79P.
Identifiers: ClinVar variation 571508 (VCV000571508.18), dbSNP rs771024050, ClinGen allele CA4128273.

ClinVar aggregate classification (germline): Conflicting classifications of pathogenicity. Review status: criteria provided, conflicting classifications (1 of 4 stars). 4 submissions from 4 submitters: Likely pathogenic (1); Uncertain significance (3). Last evaluated 2026-09-10.

Conditions:
BRAT1-related disorder. Also called: BRAT1-related condition; BRAT1-related disorders.
Neonatal-onset encephalopathy with rigidity and seizures. Also called: Lethal neonatal spasticity-epileptic encephalopathy syndrome. Identifiers: Orphanet 435845, MedGen C3281029, MONDO:0013784, OMIM 614498.
Inborn genetic diseases. Identifiers: MedGen C0950123, MeSH D030342.

Allele frequency attached by ClinVar (database versions not stated): gnomAD exomes below 0.00001; ExAC 0.00001; TOPMed 0.00002.

Submissions (4):

PreventionGenetics, part of Exact Sciences
Classification: Uncertain significance for BRAT1-related condition. Last evaluated: 2026-09-10. Review status: criteria provided, single submitter. Criteria: ACMG Guidelines, 2015. Collection method: clinical testing. Allele origin: germline.
Comment: The BRAT1 c.236T>C variant is predicted to result in the amino acid substitution p.Leu79Pro. This variant was reported in an individual from a BRAT1-related disorders cohort (Supplemental Data 3 in Engel et al. 2023. PubMed ID: 37344571). This variant is reported in 0.00088% of alleles in individuals of European (Non-Finnish) descent in gnomAD. At this time, the clinical significance of this variant is uncertain due to the absence of conclusive functional and genetic evidence.

Ambry Genetics
Classification: Uncertain significance for Inborn genetic diseases. Last evaluated: 2025-06-09. Review status: criteria provided, single submitter. Criteria: Ambry Variant Classification Scheme 2023. Collection method: clinical testing. Allele origin: germline.
Comment: The c.236T>C (p.L79P) alteration is located in exon 3 (coding exon 2) of the BRAT1 gene. This alteration results from a T to C substitution at nucleotide position 236, causing the leucine (L) at amino acid position 79 to be replaced by a proline (P). Based on data from gnomAD, the C allele has an overall frequency of <0.001% (1/251026) total alleles studied. The highest observed frequency was 0.001% (1/113394) of European (non-Finnish) alleles. This variant has been identified in the homozygous state and/or in conjunction with other BRAT1 variants in individuals with features consistent with BRAT1-related neurodevelopmental disorder (Engel, 2023). This amino acid position is highly conserved in available vertebrate species. Based on internal structural analysis, this variant is anticipated to result in a significant decrease in structural stability (Ambry internal data). This alteration is predicted to be deleterious by in silico analysis. Based on insufficient or conflicting evidence, the clinical significance of this alteration remains unclear.

Labcorp Genetics (formerly Invitae), Labcorp
Classification: Uncertain significance for Neonatal-onset encephalopathy with rigidity and seizures. Last evaluated: 2024-01-19. Review status: criteria provided, single submitter. Criteria: Invitae Variant Classification Sherloc (09022015). Collection method: clinical testing. Allele origin: germline.
Comment: This sequence change replaces leucine, which is neutral and non-polar, with proline, which is neutral and non-polar, at codon 79 of the BRAT1 protein (p.Leu79Pro). This variant is present in population databases (rs771024050, gnomAD 0.0009%). This variant has not been reported in the literature in individuals affected with BRAT1-related conditions. ClinVar contains an entry for this variant (Variation ID: 571508). Advanced modeling of protein sequence and biophysical properties (such as structural, functional, and spatial information, amino acid conservation, physicochemical variation, residue mobility, and thermodynamic stability) performed at Invitae indicates that this missense variant is expected to disrupt BRAT1 protein function with a positive predictive value of 80%. In summary, the available evidence is currently insufficient to determine the role of this variant in disease. Therefore, it has been classified as a Variant of Uncertain Significance.

GeneDx
Classification: Likely pathogenic. Last evaluated: 2023-11-08. Review status: criteria provided, single submitter. Criteria: GeneDx Variant Classification Process June 2021. Collection method: clinical testing. Allele origin: germline. Affected: yes.
Comment: Not observed at significant frequency in large population cohorts (gnomAD); In silico analysis supports that this missense variant has a deleterious effect on protein structure/function; Has not been previously published as pathogenic or benign to our knowledge

Literature cited by the submitters: PubMed 37344571 (cited by Ambry Genetics).